The following is an entry in ClinVar:

NM_004168.4(SDHA):c.1525T>C (p.Ser509Pro)

Gene: SDHA (succinate dehydrogenase complex flavoprotein subunit A; plus strand). Cytogenetic location: 5p15.33.
Variant type: single nucleotide variant.
Coding change: c.1525T>C on transcript NM_004168.4 (MANE Select); coding-DNA position 1525, T replaced by C.
Protein change: p.Ser509Pro; replaces serine 509 with proline.
Molecular consequence: missense variant.
Genome position (GRCh38, 1-based): chr5:240,450, T>C. VCF-style: chr5-240450-T-C. GRCh37 (hg19) VCF-style: chr5-240565-T-C.
Other names: c.1381T>C, p.Ser461Pro (NM_001294332.2); c.1525T>C, p.Ser509Pro (NM_001330758.2); short protein forms S461P, S509P.
Identifiers: ClinVar variation 659056 (VCV000659056.9), dbSNP rs1579417769, ClinGen allele CA359014357.

ClinVar aggregate classification (germline): Uncertain significance (1 of 4 stars; one submission).

Conditions:
Pheochromocytoma/paraganglioma syndrome 5. Also called: Paragangliomas 5; SDHA-Related Hereditary Paraganglioma-Pheochromocytoma Syndrome. Identifiers: Orphanet 29072, MedGen C3279992, MONDO:0013602, OMIM 614165.
Mitochondrial complex II deficiency, nuclear type 1. Also called: SUCCINATE CoQ REDUCTASE DEFICIENCY. Identifiers: Orphanet 3208, MedGen C5700310, MONDO:0100294, OMIM 252011.

Submission:

Labcorp Genetics (formerly Invitae), Labcorp
Classification: Uncertain significance for Pheochromocytoma/paraganglioma syndrome 5; Mitochondrial complex II deficiency, nuclear type 1. Last evaluated: 2018-07-31. Review status: criteria provided, single submitter. Criteria: Invitae Variant Classification Sherloc (09022015). Collection method: clinical testing. Allele origin: germline.
Comment: This sequence change replaces serine with proline at codon 509 of the SDHA protein (p.Ser509Pro). The serine residue is moderately conserved and there is a moderate physicochemical difference between serine and proline. This variant is not present in population databases (ExAC no frequency). This variant has not been reported in the literature in individuals with SDHA-related disease. Algorithms developed to predict the effect of missense changes on protein structure and function (SIFT, PolyPhen-2, Align-GVGD) all suggest that this variant is likely to be tolerated, but these predictions have not been confirmed by published functional studies and their clinical significance is uncertain. In summary, the available evidence is currently insufficient to determine the role of this variant in disease. Therefore, it has been classified as a Variant of Uncertain Significance.